The following is an entry in ClinVar:

ClinVar aggregate classification (germline): Uncertain significance (1 of 4 stars; one submission).

Conditions:
Fanconi anemia (FA). Also called: Fanconi's anemia. Identifiers: Orphanet 84, MedGen C0015625, MeSH D005199, MONDO:0019391.

Submission:

Labcorp Genetics (formerly Invitae), Labcorp
Classification: Uncertain significance for Fanconi anemia. Last evaluated: 2025-07-23. Review status: criteria provided, single submitter. Criteria: Invitae Variant Classification Sherloc (09022015). Collection method: clinical testing. Allele origin: germline.
Comment: This sequence change replaces methionine, which is neutral and non-polar, with isoleucine, which is neutral and non-polar, at codon 731 of the FANCA protein (p.Met731Ile). This variant is not present in population databases (gnomAD no frequency). This variant has not been reported in the literature in individuals affected with FANCA-related conditions. Invitae Evidence Modeling of protein sequence and biophysical properties (such as structural, functional, and spatial information, amino acid conservation, physicochemical variation, residue mobility, and thermodynamic stability) indicates that this missense variant is not expected to disrupt FANCA protein function with a negative predictive value of 95%. In summary, the available evidence is currently insufficient to determine the role of this variant in disease. Therefore, it has been classified as a Variant of Uncertain Significance.

NM_000135.4(FANCA):c.2193G>A (p.Met731Ile)

Gene: FANCA (FA complementation group A; minus strand). Cytogenetic location: 16q24.3.
Variant type: single nucleotide variant.
Coding change: c.2193G>A on transcript NM_000135.4 (MANE Select); coding-DNA position 2193, G replaced by A.
Protein change: p.Met731Ile; replaces methionine 731 with isoleucine.
Molecular consequence: missense variant.
Genome position (GRCh38, 1-based): chr16:89,770,593, C>T on the plus strand (G>A on the coding strand, the complement: FANCA is on the minus strand). VCF-style: chr16-89770593-C-T. GRCh37 (hg19) VCF-style: chr16-89837001-C-T.
Other names: c.2193G>A, p.Met731Ile (NM_001286167.3); short protein forms M731I.
Identifiers: ClinVar variation 4809544 (VCV004809544.1).
Genomic context (GRCh38, chr16:89,770,593, plus strand): 5'-CCACCACTCAGGGAGCTGCCCGCGCCTTCACCTCTCCGGGGGAGCGACACTGGAGGCAGC[C>T]ATCAGGTTCTGACAGAAAGACGTCAGCAGGAGGTCCACAGCCTGCAGAGACACAGTTCTC-3'
Protein context (NP_000126.2, residues 721-741): LLLTSFCQNL[Met731Ile]AASSVAPPER